The following is an entry in ClinVar:

ClinVar aggregate classification (germline): Benign. Review status: criteria provided, multiple submitters, no conflicts (2 of 4 stars). 4 submissions from 3 submitters: Benign (4). Last evaluated 2018-06-19.

Conditions:
Congenital myopathy 23 (CMYO23). Also called: NEMALINE MYOPATHY 4; Nemaline myopathy 4, autosomal dominant; CAP MYOPATHY 2. Identifiers: MedGen C1836447, MONDO:0012240, OMIM 609285.
Arthrogryposis, distal, type 1A. Also called: ARTHROGRYPOSIS MULTIPLEX CONGENITA, DISTAL, TYPE I. Identifiers: Orphanet 1146, MedGen C6022280, MONDO:0007157, OMIM 108120.

Allele frequency attached by ClinVar (database versions not stated): gnomAD 0.23661 and 0.23870; 1000 Genomes Project 30x 0.22595; 1000 Genomes Project 0.23203; gnomAD exomes 0.27890; TOPMed 0.24035.
gnomAD v4.1: 430,362 of 1,565,912 alleles (27%); highest among the groups gnomAD compares: East Asian, 31%; 60,670 homozygotes.

Submissions (4):

GeneDx
Classification: Benign. Last evaluated: 2018-06-19. Review status: criteria provided, single submitter. Criteria: GeneDx Variant Classification (06012015). Collection method: clinical testing. Allele origin: germline. Affected: yes.
Comment: This variant is considered likely benign or benign based on one or more of the following criteria: it is a conservative change, it occurs at a poorly conserved position in the protein, it is predicted to be benign by multiple in silico algorithms, and/or has population frequency not consistent with disease.

Illumina Laboratory Services, Illumina
Classification: Benign for Arthrogryposis, distal, type 1A. Last evaluated: 2018-01-13. Review status: criteria provided, single submitter. Criteria: ICSL Variant Classification Criteria 13 December 2019. Collection method: clinical testing. Allele origin: germline.
Comment: This variant was observed in the ICSL laboratory as part of a predisposition screen in an ostensibly healthy population. It had not been previously curated by ICSL or reported in the Human Gene Mutation Database (HGMD: prior to June 1st, 2018), and was therefore a candidate for classification through an automated scoring system. Utilizing variant allele frequency, disease prevalence and penetrance estimates, and inheritance mode, an automated score was calculated to assess if this variant is too frequent to cause the disease. Based on the score and internal cut-off values, a variant classified as benign is not then subjected to further curation. The score for this variant resulted in a classification of benign for this disease.

Illumina Laboratory Services, Illumina
Classification: Benign for Congenital myopathy 23. Last evaluated: 2018-01-13. Review status: criteria provided, single submitter. Criteria: ICSL Variant Classification Criteria 13 December 2019. Collection method: clinical testing. Allele origin: germline.
Comment: the same text as in the submission from Illumina Laboratory Services, Illumina above.

Breakthrough Genomics
Classification: Benign. Review status: criteria provided, single submitter. Criteria: ACMG Guidelines, 2015. Collection method: not provided. Allele origin: germline. Inheritance: Autosomal dominant inheritance. Affected: yes.

NM_213674.1(TPM2):c.-135T>A

Gene: TPM2 (tropomyosin 2; minus strand). Cytogenetic location: 9p13.3.
Variant type: single nucleotide variant.
Coding change: c.-135T>A on transcript NM_213674.1; 135 bases upstream of the start codon, T replaced by A.
Molecular consequence: 5 prime UTR variant.
Genome position (GRCh38, 1-based): chr9:35,689,952, A>T on the plus strand (T>A on the coding strand, the complement: TPM2 is on the minus strand). VCF-style: chr9-35689952-A-T. GRCh37 (hg19) VCF-style: chr9-35689949-A-T.
Other names: c.-135T>A (NM_003289.3).
Identifiers: ClinVar variation 670242 (VCV000670242.8), dbSNP rs3793538, ClinGen allele CA13029111.